The following is an entry in ClinVar:

NM_000455.5(STK11):c.291-15T>C

Gene: STK11 (serine/threonine kinase 11; plus strand). Cytogenetic location: 19p13.3.
Variant type: single nucleotide variant.
Coding change: c.291-15T>C on transcript NM_000455.5 (MANE Select); 15 bases into the intron before coding-DNA position 291, T replaced by C.
Molecular consequence: intron variant.
Genome position (GRCh38, 1-based): chr19:1,218,402, T>C. VCF-style: chr19-1218402-T-C. GRCh37 (hg19) VCF-style: chr19-1218401-T-C.
Identifiers: ClinVar variation 627957 (VCV000627957.3), dbSNP rs1568703209, ClinGen allele CA913188938.

ClinVar aggregate classification (germline): Likely benign. Review status: criteria provided, multiple submitters, no conflicts (2 of 4 stars). 2 submissions from 2 submitters: Likely benign (2). Last evaluated 2025-03-25.

Conditions:
Peutz-Jeghers syndrome (PJS). Also called: POLYPOSIS, HAMARTOMATOUS INTESTINAL; POLYPS-AND-SPOTS SYNDROME; Peutz-Jeghers polyposis; Periorificial lentiginosis syndrome. Identifiers: Orphanet 2869, MedGen C0031269, MeSH D010580, MONDO:0008280, OMIM 175200.
Hereditary cancer-predisposing syndrome. Also called: Tumor predisposition; Neoplastic Syndromes, Hereditary; Hereditary Cancer Syndrome; Hereditary neoplastic syndrome. Identifiers: Orphanet 140162, MedGen C0027672, MeSH D009386, MONDO:0015356.

Submissions (2):

Myriad Genetics, Inc.
Classification: Likely benign for Peutz-Jeghers syndrome. Last evaluated: 2025-03-25. Review status: criteria provided, single submitter. Criteria: Myriad Autosomal Dominant, Autosomal Recessive and X-Linked Classification Criteria (2023). Collection method: clinical testing. Allele origin: unknown.
Comment: This variant is considered likely benign. This variant is intronic and is not expected to impact mRNA splicing.

Color Diagnostics, LLC DBA Color Health
Classification: Likely benign for Hereditary cancer-predisposing syndrome. Last evaluated: 2018-03-22. Review status: criteria provided, single submitter. Criteria: ACMG Guidelines, 2015. Collection method: clinical testing. Allele origin: germline.